The following is an entry in ClinVar:

NM_014611.3(MDN1):c.3615+3A>G

Gene: MDN1 (midasin AAA ATPase 1; minus strand). Cytogenetic location: 6q15.
Variant type: single nucleotide variant.
Coding change: c.3615+3A>G on transcript NM_014611.3 (MANE Select); 3 bases into the intron after coding-DNA position 3615, A replaced by G.
Molecular consequence: intron variant.
Genome position (GRCh38, 1-based): chr6:89,749,540, T>C on the plus strand (A>G on the coding strand, the complement: MDN1 is on the minus strand). VCF-style: chr6-89749540-T-C. GRCh37 (hg19) VCF-style: chr6-90459259-T-C.
Identifiers: ClinVar variation 3046150 (VCV003046150.2), dbSNP rs139603225, ClinGen allele CA3925319.

ClinVar aggregate classification (germline): Likely benign (0 of 4 stars; one submission).

Conditions:
MDN1-related disorder. Also called: MDN1-related condition.

Allele frequency attached by ClinVar (database versions not stated): gnomAD exomes 0.00024; ExAC 0.00087; 1000 Genomes Project 30x 0.00203; 1000 Genomes Project 0.00220; gnomAD 0.00269; ESP Exome Variant Server 0.00331; TOPMed 0.00335.
gnomAD v4.1: 792 of 1,613,942 alleles (0.049%); highest among the groups gnomAD compares: African/African-American, 0.92%; 2 homozygotes.

Submission:

PreventionGenetics, part of Exact Sciences
Classification: Likely benign for MDN1-related condition. Last evaluated: 2019-03-25. Review status: no assertion criteria provided. Collection method: clinical testing. Allele origin: germline.
Comment: This variant is classified as likely benign based on ACMG/AMP sequence variant interpretation guidelines (Richards et al. 2015 PMID: 25741868, with internal and published modifications).